The following is an entry in ClinVar:

ClinVar aggregate classification (germline): Uncertain significance. Review status: criteria provided, multiple submitters, no conflicts (2 of 4 stars). 12 submissions from 10 submitters: Uncertain significance (10). 2 of the submissions do not count toward it. Last evaluated 2026-09-18.

Conditions:
Autosomal recessive nonsyndromic hearing loss 12. Also called: DEAFNESS, AUTOSOMAL RECESSIVE 12. Identifiers: Orphanet 90636, MedGen C1832394, MONDO:0011067, OMIM 601386.
Pituitary adenoma 5, multiple types. Identifiers: MedGen C4539685, MONDO:0054601, OMIM 617540.
Usher syndrome type 1D (USH1D). Also called: USHER SYNDROME, TYPE ID. Identifiers: Orphanet 231169, Orphanet 886, MedGen C1832845, MONDO:0010984, OMIM 601067.
CDH23-related disorder. Also called: CDH23-related condition; CDH23-related disorders.
Inborn genetic diseases. Identifiers: MedGen C0950123, MeSH D030342.
Retinal dystrophy. Also called: Inherited retinal dystrophy. Identifiers: Orphanet 71862, MedGen C0854723, MeSH D058499, MONDO:0019118, HP:0000556.
Usher syndrome type 1 (USH1). Also called: RETINITIS PIGMENTOSA AND CONGENITAL DEAFNESS. Identifiers: Orphanet 231169, Orphanet 886, MedGen C1568247, MONDO:0010168, OMIM 276900.

Allele frequency attached by ClinVar (database versions not stated): gnomAD 0.00011 and 0.00013; gnomAD exomes 0.00011; TOPMed 0.00014; ExAC 0.00019.
gnomAD v4.1: 184 of 1,603,260 alleles (0.011%); highest among the groups gnomAD compares: Middle Eastern, 0.36%; 1 homozygote.

Submissions (12):

PreventionGenetics, part of Exact Sciences
Classification: Uncertain significance for CDH23-related condition. Last evaluated: 2026-09-18. Review status: criteria provided, single submitter. Criteria: ACMG Guidelines, 2015. Collection method: clinical testing. Allele origin: germline.
Comment: The CDH23 c.1672G>A variant is predicted to result in the amino acid substitution p.Val558Met. This variant was reported along with a pathogenic variant (p.Gln1496His) in an individual with hearing loss, although additional evidence to establish pathogenicity was not presented (Imizcoz et al. 2023. PubMed ID: 37811145). This variant is reported in 0.036% of alleles in individuals of South Asian descent in gnomAD. At this time, the clinical significance of this variant is uncertain due to the absence of conclusive functional and genetic evidence.

Labcorp Genetics (formerly Invitae), Labcorp
Classification: Uncertain significance. Last evaluated: 2022-10-13. Review status: criteria provided, single submitter. Criteria: Invitae Variant Classification Sherloc (09022015). Collection method: clinical testing. Allele origin: germline.
Comment: This sequence change replaces valine, which is neutral and non-polar, with methionine, which is neutral and non-polar, at codon 558 of the CDH23 protein (p.Val558Met). This variant is present in population databases (rs780661396, gnomAD 0.04%). This variant has not been reported in the literature in individuals affected with CDH23-related conditions. ClinVar contains an entry for this variant (Variation ID: 228485). Advanced modeling of protein sequence and biophysical properties (such as structural, functional, and spatial information, amino acid conservation, physicochemical variation, residue mobility, and thermodynamic stability) performed at Invitae indicates that this missense variant is not expected to disrupt CDH23 protein function. In summary, the available evidence is currently insufficient to determine the role of this variant in disease. Therefore, it has been classified as a Variant of Uncertain Significance.

Ambry Genetics
Classification: Uncertain significance for Inborn genetic diseases. Last evaluated: 2021-09-16. Review status: criteria provided, single submitter. Criteria: Ambry Variant Classification Scheme 2023. Collection method: clinical testing. Allele origin: germline.

Genome-Nilou Lab
Classification: Uncertain significance for Autosomal recessive nonsyndromic hearing loss 12. Last evaluated: 2021-07-14. Review status: criteria provided, single submitter. Criteria: ACMG Guidelines, 2015. Collection method: clinical testing. Allele origin: germline. Affected: no.

Genome-Nilou Lab
Classification: Uncertain significance for Usher syndrome type 1D. Last evaluated: 2021-07-14. Review status: criteria provided, single submitter. Criteria: ACMG Guidelines, 2015. Collection method: clinical testing. Allele origin: germline. Affected: no.

Fulgent Genetics
Classification: Uncertain significance for Usher syndrome type 1D; Autosomal recessive nonsyndromic hearing loss 12; Pituitary adenoma 5, multiple types. Last evaluated: 2021-07-11. Review status: criteria provided, single submitter. Criteria: ACMG Guidelines, 2015. Collection method: clinical testing. Allele origin: unknown.

Illumina Laboratory Services, Illumina
Classification: Uncertain significance for Usher syndrome type 1D. Last evaluated: 2018-01-12. Review status: criteria provided, single submitter. Criteria: ICSL Variant Classification Criteria 13 December 2019. Collection method: clinical testing. Allele origin: germline.

Illumina Laboratory Services, Illumina
Classification: Uncertain significance for Autosomal recessive nonsyndromic hearing loss 12. Last evaluated: 2018-01-12. Review status: criteria provided, single submitter. Criteria: ICSL Variant Classification Criteria 13 December 2019. Collection method: clinical testing. Allele origin: germline.

Laboratory for Molecular Medicine, Mass General Brigham Personalized Medicine
Classification: Uncertain significance. Last evaluated: 2017-03-31. Review status: criteria provided, single submitter. Criteria: LMM Criteria. Collection method: clinical testing. Allele origin: germline. Observed: 2 variant alleles.
Comment: Variant classified as Uncertain Significance - Favor Benign. This variant has been identifie d in 8/35828 European and 4/10394 South Asian chromosomes by the Exome Aggregati on Consortium (ExAC; dbSNP rs780661396). Althoug h this variant has been seen in the general population, its frequency is not hig h enough to rule out a pathogenic role. The valine (Val) at position 558 is not conserved in mammals or evolutionarily distant species and 2 mammals (chimpanze e and elephant) carry a methionine (Met), supporting that this change may be tol erated. Additional computational prediction tools suggest that the p.Val558Met variant may not impact the protein, though this information is not predictive en ough to rule out pathogenicity. In summary, while the clinical significance of t he p.Val558Met variant is uncertain, the conservation and computational data sug gest that it is more likely to be benign.

Breakthrough Genomics
Classification: Uncertain significance. Review status: criteria provided, single submitter. Criteria: ACMG Guidelines, 2015. Collection method: not provided. Allele origin: germline. Inheritance: Autosomal recessive inheritance. Affected: yes.

Institute of Human Genetics, Univ. Regensburg, Univ. Regensburg
Classification: Uncertain significance for Retinal dystrophy. Last evaluated: 2022-01-01. Review status: no assertion criteria provided. Criteria: ACMG Guidelines, 2015. Collection method: clinical testing. Allele origin: germline. Affected: yes. Not counted in ClinVar's aggregate classification.

Natera, Inc.
Classification: Uncertain significance for Usher syndrome type 1. Last evaluated: 2020-04-11. Review status: no assertion criteria provided. Collection method: clinical testing. Allele origin: germline. Not counted in ClinVar's aggregate classification.

NM_022124.6(CDH23):c.1672G>A (p.Val558Met)

Gene: CDH23 (cadherin related 23; plus strand). Cytogenetic location: 10q22.1.
Variant type: single nucleotide variant.
Coding change: c.1672G>A on transcript NM_022124.6 (MANE Select); coding-DNA position 1672, G replaced by A.
Protein change: p.Val558Met; replaces valine 558 with methionine.
Molecular consequence: missense variant.
Genome position (GRCh38, 1-based): chr10:71,677,613, G>A. VCF-style: chr10-71677613-G-A. GRCh37 (hg19) VCF-style: chr10-73437370-G-A.
Other names: c.1672G>A, p.Val558Met (NM_001171930.2, NM_001171931.2); short protein forms V558M.
Identifiers: ClinVar variation 228485 (VCV000228485.20), dbSNP rs780661396, ClinGen allele CA5543922.